The following is an entry in ClinVar:

ClinVar aggregate classification (germline): Conflicting classifications of pathogenicity. Review status: criteria provided, conflicting classifications (1 of 4 stars). 4 submissions from 4 submitters: Uncertain significance (3); Likely benign (1). Last evaluated 2025-11-05.

Conditions:
Cardiovascular phenotype. Identifiers: MedGen CN230736.

Allele frequency attached by ClinVar (database versions not stated): ExAC 0.00003; gnomAD 0.00011 and 0.00013.
gnomAD v4.1: 30 of 1,612,126 alleles (0.0019%); highest among the groups gnomAD compares: African/African-American, 0.039%; no homozygotes.

Submissions (4):

Labcorp Genetics (formerly Invitae), Labcorp
Classification: Uncertain significance. Last evaluated: 2025-11-05. Review status: criteria provided, single submitter. Criteria: Invitae Variant Classification Sherloc (09022015). Collection method: clinical testing. Allele origin: germline.
Comment: This sequence change replaces glutamine, which is neutral and polar, with arginine, which is basic and polar, at codon 611 of the ALPK3 protein (p.Gln611Arg). This variant is present in population databases (rs765187060, gnomAD 0.05%). This variant has not been reported in the literature in individuals affected with ALPK3-related conditions. ClinVar contains an entry for this variant (Variation ID: 1434785). Invitae Evidence Modeling of protein sequence and biophysical properties (such as structural, functional, and spatial information, amino acid conservation, physicochemical variation, residue mobility, and thermodynamic stability) indicates that this missense variant is not expected to disrupt ALPK3 protein function with a negative predictive value of 80%. In summary, the available evidence is currently insufficient to determine the role of this variant in disease. Therefore, it has been classified as a Variant of Uncertain Significance.

Women's Health and Genetics/Laboratory Corporation of America, LabCorp
Classification: Uncertain significance. Last evaluated: 2025-07-24. Review status: criteria provided, single submitter. Criteria: LabCorp Variant Classification Summary - May 2015. Collection method: clinical testing. Allele origin: germline.

Ambry Genetics
Classification: Likely benign for Cardiovascular phenotype. Last evaluated: 2024-09-23. Review status: criteria provided, single submitter. Criteria: Ambry Variant Classification Scheme 2023. Collection method: clinical testing. Allele origin: germline.

GeneDx
Classification: Uncertain significance. Last evaluated: 2024-06-04. Review status: criteria provided, single submitter. Criteria: GeneDx Variant Classification Process June 2021. Collection method: clinical testing. Allele origin: germline. Affected: yes.
Comment: Has not been previously published as pathogenic or benign to our knowledge; In silico analysis indicates that this missense variant does not alter protein structure/function

NM_020778.5(ALPK3):c.1226A>G (p.Gln409Arg)

Gene: ALPK3 (alpha kinase 3; plus strand). Cytogenetic location: 15q25.3.
Variant type: single nucleotide variant.
Coding change: c.1226A>G on transcript NM_020778.5 (MANE Select); coding-DNA position 1226, A replaced by G.
Protein change: p.Gln409Arg; replaces glutamine 409 with arginine.
Molecular consequence: missense variant.
Genome position (GRCh38, 1-based): chr15:84,840,505, A>G. VCF-style: chr15-84840505-A-G. GRCh37 (hg19) VCF-style: chr15-85383736-A-G.
Other names: short protein forms Q409R.
Identifiers: ClinVar variation 1434785 (VCV001434785.13), dbSNP rs765187060, ClinGen allele CA7709145.
Genomic context (GRCh38, chr15:84,840,505, plus strand): 5'-CAGCCTCTGCTGTGGGCACTCCAGACAAGGCCCAGAAGGCCCCTGGCCCAGGCCCAGGCC[A>G]GGAAGTGTATTTCTCCTTGAAGGACATGTACCTGGAGAACACCCAGGCAGTCAGGCCTCT-3'
Protein context (NP_065829.4, residues 399-419): AQKAPGPGPG[Gln409Arg]EVYFSLKDMY